The following is an entry in ClinVar:

ClinVar aggregate classification (germline): Uncertain significance. Review status: criteria provided, multiple submitters, no conflicts (2 of 4 stars). 4 submissions from 4 submitters: Uncertain significance (3). 1 of the submissions does not count toward it. Last evaluated 2022-10-17.

Conditions:
Cholestanol storage disease (CTX). Also called: CTX: Cerebrotendinous xanthomatosis; CEREBRAL CHOLESTERINOSIS; Cerebrotendinous Xanthomatosis. Identifiers: Orphanet 909, MedGen C0238052, MONDO:0008948, OMIM 213700.

Allele frequency attached by ClinVar (database versions not stated): ExAC 0.00003; TOPMed 0.00012; ESP Exome Variant Server 0.00015; gnomAD 0.00015 and 0.00016.
gnomAD v4.1: 92 of 1,614,068 alleles (0.0057%); highest among the groups gnomAD compares: African/African-American, 0.041%; no homozygotes.

Submissions (4):

Labcorp Genetics (formerly Invitae), Labcorp
Classification: Uncertain significance for Cholestanol storage disease. Last evaluated: 2022-10-17. Review status: criteria provided, single submitter. Criteria: Invitae Variant Classification Sherloc (09022015). Collection method: clinical testing. Allele origin: germline.
Comment: This sequence change replaces arginine, which is basic and polar, with histidine, which is basic and polar, at codon 448 of the CYP27A1 protein (p.Arg448His). This variant is present in population databases (rs370868184, gnomAD 0.04%). This variant has not been reported in the literature in individuals affected with CYP27A1-related conditions. ClinVar contains an entry for this variant (Variation ID: 198750). Advanced modeling of protein sequence and biophysical properties (such as structural, functional, and spatial information, amino acid conservation, physicochemical variation, residue mobility, and thermodynamic stability) performed at Invitae indicates that this missense variant is expected to disrupt CYP27A1 protein function. In summary, the available evidence is currently insufficient to determine the role of this variant in disease. Therefore, it has been classified as a Variant of Uncertain Significance.

Athena Diagnostics
Classification: Uncertain significance. Last evaluated: 2018-05-31. Review status: criteria provided, single submitter. Criteria: Athena Diagnostics Criteria. Collection method: clinical testing. Allele origin: germline.

Eurofins Ntd Llc (ga)
Classification: Uncertain significance. Last evaluated: 2017-08-22. Review status: criteria provided, single submitter. Criteria: EGL Classification Definitions 2015. Collection method: clinical testing. Allele origin: germline. Observed: 7 variant alleles, 7 heterozygotes.

Natera, Inc.
Classification: Uncertain significance for Cerebrotendinous xanthomatosis. Last evaluated: 2020-01-31. Review status: no assertion criteria provided. Collection method: clinical testing. Allele origin: germline. Not counted in ClinVar's aggregate classification.

NM_000784.4(CYP27A1):c.1343G>A (p.Arg448His)

Gene: CYP27A1 (cytochrome P450 family 27 subfamily A member 1; plus strand). Cytogenetic location: 2q35.
Variant type: single nucleotide variant.
Coding change: c.1343G>A on transcript NM_000784.4 (MANE Select); coding-DNA position 1343, G replaced by A.
Protein change: p.Arg448His; replaces arginine 448 with histidine.
Molecular consequence: missense variant.
Genome position (GRCh38, 1-based): chr2:218,814,624, G>A. VCF-style: chr2-218814624-G-A. GRCh37 (hg19) VCF-style: chr2-219679347-G-A.
Other names: short protein forms R448H.
Identifiers: ClinVar variation 198750 (VCV000198750.7), dbSNP rs370868184, ClinGen allele CA247555.